The following is an entry in ClinVar:

ClinVar aggregate classification (germline): Uncertain significance. Review status: criteria provided, multiple submitters, no conflicts (2 of 4 stars). 2 submissions from 2 submitters: Uncertain significance (2). Last evaluated 2020-11-15.

Conditions:
Congenital myasthenic syndrome 8. Also called: MYASTHENIC SYNDROME, CONGENITAL, DUE TO AGRIN DEFICIENCY; Myasthenic syndrome, congenital, 8, with pre- and postsynaptic defects. Identifiers: Orphanet 590, MedGen C3808739, MONDO:0014052, OMIM 615120.

Allele frequency attached by ClinVar (database versions not stated): TOPMed below 0.00001; gnomAD exomes below 0.00001.
gnomAD v4.1: 2 of 1,611,798 alleles (0.00012%); highest among the groups gnomAD compares: African/African-American, 0.0013%; no homozygotes.

Submissions (2):

Labcorp Genetics (formerly Invitae), Labcorp
Classification: Uncertain significance for Congenital myasthenic syndrome 8. Last evaluated: 2020-11-15. Review status: criteria provided, single submitter. Criteria: Invitae Variant Classification Sherloc (09022015). Collection method: clinical testing. Allele origin: germline.
Comment: This variant is not present in population databases (ExAC no frequency). This variant has not been reported in the literature in individuals with AGRN-related conditions. In summary, the available evidence is currently insufficient to determine the role of this variant in disease. Therefore, it has been classified as a Variant of Uncertain Significance. Algorithms developed to predict the effect of missense changes on protein structure and function are either unavailable or do not agree on the potential impact of this missense change (SIFT: "Deleterious"; PolyPhen-2: "Possibly Damaging"; Align-GVGD: "Class C0"). This sequence change replaces alanine with aspartic acid at codon 781 of the AGRN protein (p.Ala781Asp). The alanine residue is highly conserved and there is a moderate physicochemical difference between alanine and aspartic acid.

Breakthrough Genomics
Classification: Uncertain significance. Review status: criteria provided, single submitter. Criteria: ACMG Guidelines, 2015. Collection method: not provided. Allele origin: germline. Inheritance: Autosomal recessive inheritance. Affected: yes.

NM_198576.4(AGRN):c.2342C>A (p.Ala781Asp)

Gene: AGRN (agrin; plus strand). Cytogenetic location: 1p36.33.
Variant type: single nucleotide variant.
Coding change: c.2342C>A on transcript NM_198576.4 (MANE Select); coding-DNA position 2342, C replaced by A.
Protein change: p.Ala781Asp; replaces alanine 781 with aspartic acid.
Molecular consequence: missense variant.
Genome position (GRCh38, 1-based): chr1:1,045,248, C>A. VCF-style: chr1-1045248-C-A. GRCh37 (hg19) VCF-style: chr1-980628-C-A.
Other names: c.2342C>A, p.Ala781Asp (NM_001305275.2); c.2027C>A, p.Ala676Asp (NM_001364727.2); short protein forms A676D, A781D.
Identifiers: ClinVar variation 1469086 (VCV001469086.9), dbSNP rs868527594, ClinGen allele CA16756500.